The following is an entry in ClinVar:

NM_001211.6(BUB1B):c.1743T>A (p.Phe581Leu)

Gene: BUB1B (BUB1 mitotic checkpoint serine/threonine kinase B; plus strand). Cytogenetic location: 15q15.1.
Variant type: single nucleotide variant.
Coding change: c.1743T>A on transcript NM_001211.6 (MANE Select); coding-DNA position 1743, T replaced by A.
Protein change: p.Phe581Leu; replaces phenylalanine 581 with leucine.
Molecular consequence: missense variant.
Genome position (GRCh38, 1-based): chr15:40,206,192, T>A. VCF-style: chr15-40206192-T-A. GRCh37 (hg19) VCF-style: chr15-40498393-T-A.
Other names: short protein forms F581L.
Identifiers: ClinVar variation 2261146 (VCV002261146.2), dbSNP rs2542564601, ClinGen allele CA391692159.

ClinVar aggregate classification (germline): Uncertain significance (1 of 4 stars; one submission).

Conditions:
Inborn genetic diseases. Identifiers: MedGen C0950123, MeSH D030342.

Submission:

Ambry Genetics
Classification: Uncertain significance for Inborn genetic diseases. Last evaluated: 2023-08-13. Review status: criteria provided, single submitter. Criteria: Ambry Variant Classification Scheme 2023. Collection method: clinical testing. Allele origin: germline.
Comment: The p.F581L variant (also known as c.1743T>A), located in coding exon 15 of the BUB1B gene, results from a T to A substitution at nucleotide position 1743. The phenylalanine at codon 581 is replaced by leucine, an amino acid with highly similar properties. This amino acid position is conserved. In addition, this alteration is predicted to be tolerated by in silico analysis. Since supporting evidence is limited at this time, the clinical significance of this alteration remains unclear.